The following is an entry in ClinVar:

NM_001098511.3(KIF2A):c.1754T>A (p.Val585Asp)

Gene: KIF2A (kinesin family member 2A; plus strand). Cytogenetic location: 5q12.1.
Variant type: single nucleotide variant.
Coding change: c.1754T>A on transcript NM_001098511.3 (MANE Select); coding-DNA position 1754, T replaced by A.
Protein change: p.Val585Asp; replaces valine 585 with aspartic acid.
Molecular consequence: missense variant. On other transcripts: intron variant (3).
Genome position (GRCh38, 1-based): chr5:62,372,545, T>A. VCF-style: chr5-62372545-T-A. GRCh37 (hg19) VCF-style: chr5-61668372-T-A.
Other names: c.1566-1142T>A (NM_001243952.2); c.1647-1142T>A (NM_004520.5); c.1590-1142T>A (NM_001243953.2); short protein forms V585D.
Identifiers: ClinVar variation 2003665 (VCV002003665.4), dbSNP rs2531378469, ClinGen allele CA359952350.

ClinVar aggregate classification (germline): Uncertain significance (1 of 4 stars; one submission).

Submission:

Labcorp Genetics (formerly Invitae), Labcorp
Classification: Uncertain significance. Last evaluated: 2022-06-08. Review status: criteria provided, single submitter. Criteria: Invitae Variant Classification Sherloc (09022015). Collection method: clinical testing. Allele origin: germline.
Comment: In summary, the available evidence is currently insufficient to determine the role of this variant in disease. Therefore, it has been classified as a Variant of Uncertain Significance. This variant is not present in population databases (gnomAD no frequency). This sequence change replaces valine, which is neutral and non-polar, with aspartic acid, which is acidic and polar, at codon 585 of the KIF2A protein (p.Val585Asp). Algorithms developed to predict the effect of missense changes on protein structure and function are either unavailable or do not agree on the potential impact of this missense change (SIFT: "Deleterious"; PolyPhen-2: "Benign"; Align-GVGD: "Class C0"). This variant has not been reported in the literature in individuals affected with KIF2A-related conditions.